The following is an entry in ClinVar:

NM_002691.4(POLD1):c.1266C>G (p.Gly422=)

Gene: POLD1 (DNA polymerase delta 1, catalytic subunit; plus strand). Cytogenetic location: 19q13.33.
Variant type: single nucleotide variant.
Coding change: c.1266C>G on transcript NM_002691.4 (MANE Select); coding-DNA position 1266, C replaced by G.
Protein change: p.Gly422=; no amino-acid change (glycine 422 retained).
Molecular consequence: synonymous variant. On other transcripts: non-coding transcript variant (1).
Genome position (GRCh38, 1-based): chr19:50,406,205, C>G. VCF-style: chr19-50406205-C-G. GRCh37 (hg19) VCF-style: chr19-50909462-C-G.
Other names: c.1266C>G, p.Gly422= (NM_001256849.1, NM_001308632.1).
Identifiers: ClinVar variation 3904514 (VCV003904514.1).

ClinVar aggregate classification (germline): Benign (1 of 4 stars; one submission).

Conditions:
POLD1-related polyposis and colorectal cancer syndrome (CRCS10). Also called: Colorectal cancer 10; COLORECTAL CANCER, SUSCEPTIBILITY TO, ON CHROMOSOME 19q; Colorectal cancer, susceptibility to, 10. Identifiers: Orphanet 220460, MedGen C2675481, MONDO:0012953, OMIM 612591.

Submission:

Myriad Genetics, Inc.
Classification: Benign for POLD1-related polyposis and colorectal cancer syndrome. Last evaluated: 2025-02-06. Review status: criteria provided, single submitter. Criteria: Myriad Autosomal Dominant, Autosomal Recessive and X-Linked Classification Criteria (2023). Collection method: clinical testing. Allele origin: unknown.
Comment: This variant is considered benign. This variant is a silent/synonymous amino acid change and it is not expected to impact splicing.